The following is an entry in ClinVar:

NM_006796.3(AFG3L2):c.2156A>G (p.Lys719Arg)

Gene: AFG3L2 (AFG3 like matrix AAA peptidase subunit 2; minus strand). Cytogenetic location: 18p11.21.
Variant type: single nucleotide variant.
Coding change: c.2156A>G on transcript NM_006796.3 (MANE Select); coding-DNA position 2156, A replaced by G.
Protein change: p.Lys719Arg; replaces lysine 719 with arginine.
Molecular consequence: missense variant.
Genome position (GRCh38, 1-based): chr18:12,337,360, T>C on the plus strand (A>G on the coding strand, the complement: AFG3L2 is on the minus strand). VCF-style: chr18-12337360-T-C. GRCh37 (hg19) VCF-style: chr18-12337359-T-C.
Other names: short protein forms K719R.
Identifiers: ClinVar variation 1705364 (VCV001705364.1), dbSNP rs2510220446, ClinGen allele CA401943625.
Genomic context (GRCh38, chr18:12,337,360, plus strand): 5'-TTGCAAAACTGTAAAGAATTATTCCCACAACTGGCACCTACCTTCTCCACGTCAGCTTTC[T>C]TTTCTGTGAGAAGAGCTACTGTTCTTTTATAAGCATCATTAATAAGTATTCGTACTTCAT-3'
Protein context (NP_006787.2, residues 709-729): YKRTVALLTE[Lys719Arg]KADVEKVALL

ClinVar aggregate classification (germline): Uncertain significance (1 of 4 stars; one submission).

Conditions:
Spinocerebellar ataxia type 28 (SCA28). Also called: Spinocerebellar Ataxia Type 28 (SCA28). Identifiers: Orphanet 101109, MedGen C1853249, MONDO:0012450, OMIM 610246.

Submission:

3billion
Classification: Uncertain significance for Spinocerebellar ataxia type 28. Last evaluated: 2022-09-01. Review status: criteria provided, single submitter. Criteria: ACMG Guidelines, 2015. Collection method: clinical testing. Allele origin: germline. Affected: yes. Observed: 1 homozygote.
Comment: The variant is not observed in the gnomAD v2.1.1 dataset. Missense changes are a common disease-causing mechanism. Therefore, this variant is classified as uncertain significance according to the recommendation of ACMG/AMP guideline.